The following is an entry in ClinVar:

NM_023110.3(FGFR1):c.1736C>T (p.Pro579Leu)

Gene: FGFR1 (fibroblast growth factor receptor 1; minus strand). Cytogenetic location: 8p11.23.
Variant type: single nucleotide variant.
Coding change: c.1736C>T on transcript NM_023110.3 (MANE Select); coding-DNA position 1736, C replaced by T.
Protein change: p.Pro579Leu; replaces proline 579 with leucine.
Molecular consequence: missense variant.
Genome position (GRCh38, 1-based): chr8:38,415,988, G>A on the plus strand (C>T on the coding strand, the complement: FGFR1 is on the minus strand). VCF-style: chr8-38415988-G-A. GRCh37 (hg19) VCF-style: chr8-38273506-G-A.
Other names: c.1730C>T, p.Pro577Leu (NM_001174063.2, NM_001174065.2, NM_001354367.2 and 1 more transcripts); c.1706C>T, p.Pro569Leu (NM_001174064.2); c.1469C>T, p.Pro490Leu (NM_001174066.2, NM_023105.3); c.1829C>T, p.Pro610Leu (NM_001174067.2); c.1457C>T, p.Pro486Leu (NM_001354368.2); c.1724C>T, p.Pro575Leu (NM_001354369.2, NM_001410922.1); c.1463C>T, p.Pro488Leu (NM_001354370.2, NM_023106.3); short protein forms P486L, P610L, P488L, P490L, P569L, P579L, P575L, P577L.
Identifiers: ClinVar variation 5007309 (VCV005007309.2).

ClinVar aggregate classification (germline): Uncertain significance (1 of 4 stars; one submission).

Conditions:
Hartsfield-Bixler-Demyer syndrome (HRTFDS). Also called: Hartsfield syndrome; FGFR1-Related Hartsfield Syndrome; Holoprosencephaly, ectrodactyly, and bilateral cleft lip/palate. Identifiers: Orphanet 2117, MedGen C1845146, MONDO:0014196, OMIM 615465. Disease mechanism: loss of function.
Osteoglophonic dysplasia (OGD). Also called: Osteoglophonic dwarfism. Identifiers: Orphanet 2645, MedGen C0432283, MONDO:0008150, OMIM 166250.
Encephalocraniocutaneous lipomatosis (ECCL). Identifiers: Orphanet 2396, MedGen C0406612, MONDO:0013074, OMIM 613001.
Trigonocephaly 1 (TRIGNO1). Identifiers: Orphanet 3366, MedGen C0432122, MONDO:0008603, OMIM 190440.
Pfeiffer syndrome (ACS5). Also called: ACS V. Identifiers: Orphanet 710, MedGen C0220658, MONDO:0007043, OMIM 101600.
Jackson-Weiss syndrome (JWS). Also called: CRANIOSYNOSTOSIS, MIDFACIAL HYPOPLASIA, AND FOOT ABNORMALITIES. Identifiers: Orphanet 1540, MedGen C0795998, MONDO:0007400, OMIM 123150. Disease mechanism: loss of function.
Hypogonadotropic hypogonadism 2 with or without anosmia (HH2). Also called: HYPOGONADOTROPIC HYPOGONADISM 2 WITHOUT ANOSMIA; FGFR1-Related GnRH Deficiency (Kallmann Syndrome 2); HYPOGONADOTROPIC HYPOGONADISM 2 WITHOUT ANOSMIA, SUSCEPTIBILITY TO; HYPOGONADOTROPIC HYPOGONADISM 2 WITH OR WITHOUT ANOSMIA, SUSCEPTIBILITY TO. Identifiers: Orphanet 478, MedGen C1563720, MONDO:0007844, OMIM 147950. Disease mechanism: loss of function.

gnomAD v4.1: 3 of 1,613,972 alleles (0.00019%); highest among the groups gnomAD compares: East Asian, 0.0067%; no homozygotes.

Submission:

Juno Genomics, Hangzhou Juno Genomics, Inc
Classification: Uncertain significance for Trigonocephaly 1; Encephalocraniocutaneous lipomatosis; Hartsfield-Bixler-Demyer syndrome; Hypogonadotropic hypogonadism 2 with or without anosmia; Jackson-Weiss syndrome; Osteoglophonic dysplasia; Pfeiffer syndrome. Review status: criteria provided, single submitter. Criteria: ACMG Guidelines, 2015. Collection method: clinical testing. Allele origin: germline.
Comment: Missense variant in a gene that has a low rate of benign missense variation.;Multiple lines of computational evidence support a deleterious effect on the gene or gene product.;Absent from controls (or at extremely low frequency if recessive) in Genome Aggregation Database.